The following is an entry in ClinVar:

NM_182961.4(SYNE1):c.8468_8470del (p.Asp2823_Ile2824delinsVal)

Gene: SYNE1 (spectrin repeat containing nuclear envelope protein 1; minus strand). Cytogenetic location: 6q25.2.
Variant type: Deletion.
Coding change: c.8468_8470del on transcript NM_182961.4 (MANE Select); coding-DNA positions 8468 to 8470, 3 bases deleted (ATA; older notation c.8468_8470delATA).
Protein change: p.Asp2823_Ile2824delinsVal.
Molecular consequence: inframe indel.
Genome position (GRCh38, 1-based): chr6:152,387,089-152,387,091, TAT deleted on the plus strand (ATA on the coding strand, the reverse complement: SYNE1 is on the minus strand). VCF-style (leftmost placement, unchanged base first): chr6-152387088-ATAT-A. GRCh37 (hg19) VCF-style: chr6-152708223-ATAT-A.
Other names: c.8489_8491delATA, p.Asp2830_Ile2831delinsVal (NM_033071.3); c.8489_8491del, p.Asp2830_Ile2831delinsVal (NM_033071.5).
Identifiers: ClinVar variation 1804368 (VCV001804368.1), dbSNP rs758110231, ClinGen allele CA4057546.

ClinVar aggregate classification (germline): Uncertain significance (1 of 4 stars; one submission).

Allele frequency attached by ClinVar (database versions not stated): gnomAD 0.00001; ExAC 0.00002; gnomAD exomes 0.00002; TOPMed 0.00004.

Submission:

GeneDx
Classification: Uncertain significance. Last evaluated: 2022-06-17. Review status: criteria provided, single submitter. Criteria: GeneDx Variant Classification Process June 2021. Collection method: clinical testing. Allele origin: germline. Affected: yes.
Comment: In-frame deletion of 2 amino acids and insertion of 1 amino acid in a non-repeat region; In silico analysis supports a deleterious effect on protein structure/function; Has not been previously published as pathogenic or benign to our knowledge